The following is an entry in ClinVar:

NM_018136.5(ASPM):c.6928C>T (p.Gln2310Ter)

Gene: ASPM (assembly factor for spindle microtubules; minus strand). Cytogenetic location: 1q31.3.
Variant type: single nucleotide variant.
Coding change: c.6928C>T on transcript NM_018136.5 (MANE Select); coding-DNA position 6928, C replaced by T.
Protein change: p.Gln2310Ter; replaces glutamine 2310 with a stop codon.
Molecular consequence: nonsense. On other transcripts: intron variant (1).
Genome position (GRCh38, 1-based): chr1:197,102,323, G>A on the plus strand (C>T on the coding strand, the complement: ASPM is on the minus strand). VCF-style: chr1-197102323-G-A. GRCh37 (hg19) VCF-style: chr1-197071453-G-A.
Other names: c.4066-6159C>T (NM_001206846.2); short protein forms Q2310*.
Identifiers: ClinVar variation 438587 (VCV000438587.1), dbSNP rs745997770, ClinGen allele CA1309485.

ClinVar aggregate classification (germline): Likely pathogenic (1 of 4 stars; one submission).

Conditions:
Microcephaly 5, primary, autosomal recessive (MCPH5). Also called: ASPM Primary Microcephaly. Identifiers: Orphanet 2512, MedGen C1837501, MONDO:0012106, OMIM 608716.

Allele frequency attached by ClinVar (database versions not stated): gnomAD exomes below 0.00001; ExAC 0.00001.

Submission:

Lupski Lab, Baylor-Hopkins CMG, Baylor College of Medicine
Classification: Likely pathogenic for Microcephaly 5, primary, autosomal recessive. Last evaluated: 2017-09-01. Review status: criteria provided, single submitter. Criteria: Wiszniewski et al. (Eur J Hum Genet. 2018). Collection method: research. Allele origin: inherited, unknown. Inheritance: Autosomal recessive inheritance. Affected: yes and no. Observed: 2 variant alleles.